The following is an entry in ClinVar:

ClinVar aggregate classification (germline): Pathogenic (1 of 4 stars; one submission).

Submission:

Labcorp Genetics (formerly Invitae), Labcorp
Classification: Pathogenic. Last evaluated: 2022-01-24. Review status: criteria provided, single submitter. Criteria: Invitae Variant Classification Sherloc (09022015). Collection method: clinical testing. Allele origin: germline.
Comment: For these reasons, this variant has been classified as Pathogenic. This variant has not been reported in the literature in individuals affected with USH2A-related conditions. This variant is not present in population databases (gnomAD no frequency). This sequence change creates a premature translational stop signal (p.Gln3642*) in the USH2A gene. It is expected to result in an absent or disrupted protein product. Loss-of-function variants in USH2A are known to be pathogenic (PMID: 10729113, 10909849, 20507924, 25649381).

Literature cited by the submitters: PubMed 10729113; PubMed 10909849; PubMed 20507924; PubMed 25649381.

NM_206933.4(USH2A):c.10924C>T (p.Gln3642Ter)

Gene: USH2A (usherin; minus strand). Cytogenetic location: 1q41.
Variant type: single nucleotide variant.
Coding change: c.10924C>T on transcript NM_206933.4 (MANE Select); coding-DNA position 10924, C replaced by T.
Protein change: p.Gln3642Ter; replaces glutamine 3642 with a stop codon.
Molecular consequence: nonsense.
Genome position (GRCh38, 1-based): chr1:215,779,858, G>A on the plus strand (C>T on the coding strand, the complement: USH2A is on the minus strand). VCF-style: chr1-215779858-G-A. GRCh37 (hg19) VCF-style: chr1-215953200-G-A.
Other names: short protein forms Q3642*.
Identifiers: ClinVar variation 2085117 (VCV002085117.4), dbSNP rs773462133, ClinGen allele CA344833089.